The following is an entry in ClinVar:

ClinVar aggregate classification (germline): Uncertain significance (1 of 4 stars; one submission).

Conditions:
Familial thoracic aortic aneurysm and aortic dissection (TAAD). Also called: Thoracic aortic aneurysms and dissections. Identifiers: Orphanet 91387, MedGen C4707243, MONDO:0019625.

Submission:

Color Diagnostics, LLC DBA Color Health
Classification: Uncertain significance for Familial thoracic aortic aneurysm and aortic dissection. Last evaluated: 2025-09-11. Review status: criteria provided, single submitter. Criteria: ACMG Guidelines, 2015. Collection method: clinical testing. Allele origin: germline.
Comment: This missense variant replaces serine with threonine at codon 193 of the COL3A1 protein. Computational prediction suggests that this variant may not impact protein structure and function. To our knowledge, functional studies have not been reported for this variant. This variant has not been reported in individuals affected with COL3A1-related disorders in the literature. This variant has not been identified in the general population by the Genome Aggregation Database (gnomAD). The available evidence is insufficient to determine the role of this variant in disease conclusively. Therefore, this variant is classified as a Variant of Uncertain Significance.

NM_000090.4(COL3A1):c.577T>A (p.Ser193Thr)

Gene: COL3A1 (collagen type III alpha 1 chain; plus strand). Cytogenetic location: 2q32.2.
Variant type: single nucleotide variant.
Coding change: c.577T>A on transcript NM_000090.4 (MANE Select); coding-DNA position 577, T replaced by A.
Protein change: p.Ser193Thr; replaces serine 193 with threonine.
Molecular consequence: missense variant.
Genome position (GRCh38, 1-based): chr2:188,988,129, T>A. VCF-style: chr2-188988129-T-A. GRCh37 (hg19) VCF-style: chr2-189852855-T-A.
Other names: short protein forms S193T.
Identifiers: ClinVar variation 4756404 (VCV004756404.1).
Genomic context (GRCh38, chr2:188,988,129, plus strand): 5'-TTCACATTCCAGGGCCCCCCAGGCCCTCCCGGTCCCCCTGGTACATCTGGTCATCCTGGT[T>A]CCCCTGTAAGTATAGCCATTGGTGGTGTTTTCTTCCTCATTTTTAGAAAAATCAAATTAA-3'
Protein context (NP_000081.2, residues 183-203): GPPGTSGHPG[Ser193Thr]PGSPGYQGPP